The following is an entry in ClinVar:

NM_000540.3(RYR1):c.10260-2_10268del

Gene: RYR1 (ryanodine receptor 1; plus strand). Cytogenetic location: 19q13.2.
Variant type: Deletion.
Coding change: c.10260-2_10268del on transcript NM_000540.3 (MANE Select); the canonical splice acceptor site of the intron before coding-DNA position 10260 through coding-DNA position 10268, 11 bases deleted (AGGGCGCAGTG).
Molecular consequence: splice acceptor variant.
Genome position (GRCh38, 1-based): chr19:38,523,026-38,523,036, AGGGCGCAGTG deleted. VCF-style (leftmost placement, unchanged base first): chr19-38523025-CAGGGCGCAGTG-C. GRCh37 (hg19) VCF-style: chr19-39013665-CAGGGCGCAGTG-C.
Other names: c.10260-2_10268del (NM_001042723.2).
Identifiers: ClinVar variation 3713916 (VCV003713916.2).
Genomic context (GRCh38, chr19:38,523,025, plus strand): 5'-TCTGGGCAGCCCCCTTCCCTGGGATCCCCACCCCCTCCCTCACCTCCCCTCCGCTGACCC[CAGGGCGCAGTG>C]GCTGACGGAGCCGAATCCCAGCGCGGAGGAGCTGTTCAGGATGGTGGGCGAGATCTTCAT-3'

ClinVar aggregate classification (germline): Likely pathogenic (1 of 4 stars; one submission).

Conditions:
RYR1-related disorder. Also called: RYR1-related condition; RYR1-related disorders. Identifiers: MedGen CN239331.

Submission:

Labcorp Genetics (formerly Invitae), Labcorp
Classification: Likely pathogenic for RYR1-related disorder. Last evaluated: 2024-03-04. Review status: criteria provided, single submitter. Criteria: Invitae Variant Classification Sherloc (09022015). Collection method: clinical testing. Allele origin: germline.
Comment: This variant results in the deletion of part of exon 68 (c.10260-2_10268del) of the RYR1 gene. It is expected to disrupt RNA splicing. Variants that disrupt the donor or acceptor splice site typically lead to a loss of protein function (PMID: 16199547), and loss-of-function variants in RYR1 are known to be pathogenic (PMID: 23919265, 25960145, 28818389, 30611313). This variant is not present in population databases (gnomAD no frequency). This variant has not been reported in the literature in individuals affected with RYR1-related conditions. In summary, the currently available evidence indicates that the variant is pathogenic, but additional data are needed to prove that conclusively. Therefore, this variant has been classified as Likely Pathogenic.

Literature cited by the submitters: PubMed 16199547; PubMed 23919265; PubMed 25960145; PubMed 28818389; PubMed 30611313.